The following is an entry in ClinVar:

NM_004360.5(CDH1):c.531+3A>C

Gene: CDH1 (cadherin 1; plus strand). Cytogenetic location: 16q22.1.
Variant type: single nucleotide variant.
Coding change: c.531+3A>C on transcript NM_004360.5 (MANE Select); 3 bases into the intron after coding-DNA position 531, A replaced by C.
Molecular consequence: intron variant.
Genome position (GRCh38, 1-based): chr16:68,808,570, A>C. VCF-style: chr16-68808570-A-C. GRCh37 (hg19) VCF-style: chr16-68842473-A-C.
Other names: c.-1085+3A>C (NM_001317185.2); c.-1289+3A>C (NM_001317186.2); c.531+3A>C (NM_001317184.2).
Identifiers: ClinVar variation 2836489 (VCV002836489.3), dbSNP rs766563354, ClinGen allele CA2732581126.

ClinVar aggregate classification (germline): Uncertain significance (1 of 4 stars; one submission).

Conditions:
Hereditary diffuse gastric adenocarcinoma (HDGC). Also called: DIFFUSE GASTRIC AND LOBULAR BREAST CANCER SYNDROME. Identifiers: Orphanet 26106, MedGen C1708349, MONDO:0007648, OMIM 137215.

Submission:

Labcorp Genetics (formerly Invitae), Labcorp
Classification: Uncertain significance for Hereditary diffuse gastric adenocarcinoma. Last evaluated: 2023-02-11. Review status: criteria provided, single submitter. Criteria: Invitae Variant Classification Sherloc (09022015). Collection method: clinical testing. Allele origin: germline.
Comment: In summary, the available evidence is currently insufficient to determine the role of this variant in disease. Therefore, it has been classified as a Variant of Uncertain Significance. This sequence change falls in intron 4 of the CDH1 gene. It does not directly change the encoded amino acid sequence of the CDH1 protein. It affects a nucleotide within the consensus splice site. This variant is not present in population databases (gnomAD no frequency). This variant has not been reported in the literature in individuals affected with CDH1-related conditions. Variants that disrupt the consensus splice site are a relatively common cause of aberrant splicing (PMID: 17576681, 9536098). Algorithms developed to predict the effect of sequence changes on RNA splicing suggest that this variant may disrupt the consensus splice site.

Literature cited by the submitters: PubMed 17576681; PubMed 9536098.